The following is an entry in ClinVar:

NM_138927.4(SON):c.4601T>C (p.Leu1534Pro)

Gene: SON (SON DNA and RNA binding protein; plus strand). Cytogenetic location: 21q22.11.
Variant type: single nucleotide variant.
Coding change: c.4601T>C on transcript NM_138927.4 (MANE Select); coding-DNA position 4601, T replaced by C.
Protein change: p.Leu1534Pro; replaces leucine 1534 with proline.
Molecular consequence: missense variant. On other transcripts: non-coding transcript variant (1), intron variant (1).
Genome position (GRCh38, 1-based): chr21:33,553,832, T>C. VCF-style: chr21-33553832-T-C. GRCh37 (hg19) VCF-style: chr21-34926138-T-C.
Other names: c.4601T>C, p.Leu1534Pro (NM_001291411.2, NM_001412133.1, NM_032195.3 and 2 more transcripts); c.245-3324T>C (NM_001291412.3); short protein forms L1534P.
Identifiers: ClinVar variation 2125737 (VCV002125737.4), dbSNP rs2517382898, ClinGen allele CA410162974.

ClinVar aggregate classification (germline): Uncertain significance (1 of 4 stars; one submission).

Submission:

Labcorp Genetics (formerly Invitae), Labcorp
Classification: Uncertain significance. Last evaluated: 2022-08-23. Review status: criteria provided, single submitter. Criteria: Invitae Variant Classification Sherloc (09022015). Collection method: clinical testing. Allele origin: germline.
Comment: This variant has not been reported in the literature in individuals affected with SON-related conditions. This sequence change replaces leucine, which is neutral and non-polar, with proline, which is neutral and non-polar, at codon 1534 of the SON protein (p.Leu1534Pro). This variant is not present in population databases (gnomAD no frequency). Algorithms developed to predict the effect of missense changes on protein structure and function are either unavailable or do not agree on the potential impact of this missense change (SIFT: "Deleterious"; PolyPhen-2: "Possibly Damaging"; Align-GVGD: "Class C0"). In summary, the available evidence is currently insufficient to determine the role of this variant in disease. Therefore, it has been classified as a Variant of Uncertain Significance.